The following is an entry in ClinVar:

NM_003200.5(TCF3):c.1357G>A (p.Ala453Thr)

Gene: TCF3 (transcription factor 3; minus strand). Cytogenetic location: 19p13.3.
Variant type: single nucleotide variant.
Coding change: c.1357G>A on transcript NM_003200.5 (MANE Select); coding-DNA position 1357, G replaced by A.
Protein change: p.Ala453Thr; replaces alanine 453 with threonine.
Molecular consequence: missense variant.
Genome position (GRCh38, 1-based): chr19:1,619,204, C>T on the plus strand (G>A on the coding strand, the complement: TCF3 is on the minus strand). VCF-style: chr19-1619204-C-T. GRCh37 (hg19) VCF-style: chr19-1619203-C-T.
Other names: c.1357G>A, p.Ala453Thr (NM_001136139.4, NM_001351779.2); c.1354G>A, p.Ala452Thr (NM_001351778.2); short protein forms A453T, A452T.
Identifiers: ClinVar variation 1369617 (VCV001369617.8), dbSNP rs201830800, ClinGen allele CA9049886.
Genomic context (GRCh38, chr19:1,619,204, plus strand): 5'-GGAGGGTGCCTGGCTGGCTGGGGAGGGCCGCGTGGTTGTGCATGAGGCTGGTGCTGCCTG[C>T]GAGGCCGTCCTCGGGGTGGCTGCCTCCAACCTGCAGGCGTGGGGAGACGGGTGCATCAGG-3'
Protein context (NP_003191.1, residues 443-463): VGGSHPEDGL[Ala453Thr]GSTSLMHNHA

ClinVar aggregate classification (germline): Conflicting classifications of pathogenicity. Review status: criteria provided, conflicting classifications (1 of 4 stars). 3 submissions from 3 submitters: Uncertain significance (2); Likely benign (1). Last evaluated 2025-10-15.

Allele frequency attached by ClinVar (database versions not stated): ESP Exome Variant Server 0.00015; 1000 Genomes Project 30x 0.00016; 1000 Genomes Project 0.00020; TOPMed 0.00022; gnomAD 0.00026 and 0.00027.
gnomAD v4.1: 545 of 1,598,756 alleles (0.034%); highest among the groups gnomAD compares: Non-Finnish European, 0.041%; no homozygotes.

Submissions (3):

Labcorp Genetics (formerly Invitae), Labcorp
Classification: Uncertain significance. Last evaluated: 2025-10-15. Review status: criteria provided, single submitter. Criteria: Invitae Variant Classification Sherloc (09022015). Collection method: clinical testing. Allele origin: germline.
Comment: This sequence change replaces alanine, which is neutral and non-polar, with threonine, which is neutral and polar, at codon 453 of the TCF3 protein (p.Ala453Thr). This variant is present in population databases (rs201830800, gnomAD 0.04%). This variant has not been reported in the literature in individuals affected with TCF3-related conditions. ClinVar contains an entry for this variant (Variation ID: 1369617). An algorithm developed to predict the effect of missense changes on protein structure and function outputs the following: PolyPhen-2: "Not Available". The threonine amino acid residue is found in multiple mammalian species, which suggests that this missense change does not adversely affect protein function. In summary, the available evidence is currently insufficient to determine the role of this variant in disease. Therefore, it has been classified as a Variant of Uncertain Significance.

Blueprint Genetics
Classification: Likely benign. Last evaluated: 2024-10-23. Review status: criteria provided, single submitter. Criteria: ACMG Guidelines, 2015. Collection method: clinical testing. Allele origin: germline.

Breakthrough Genomics
Classification: Uncertain significance. Review status: criteria provided, single submitter. Criteria: ACMG Guidelines, 2015. Collection method: not provided. Allele origin: germline. Inheritance: Autosomal recessive inheritance. Affected: yes.